The following is an entry in ClinVar:

NM_004667.6(HERC2):c.14189C>G (p.Pro4730Arg)

Gene: HERC2 (HECT and RLD domain containing E3 ubiquitin protein ligase 2; minus strand). Cytogenetic location: 15q13.1.
Variant type: single nucleotide variant.
Coding change: c.14189C>G on transcript NM_004667.6 (MANE Select); coding-DNA position 14189, C replaced by G.
Protein change: p.Pro4730Arg; replaces proline 4730 with arginine.
Molecular consequence: missense variant.
Genome position (GRCh38, 1-based): chr15:28,113,114, G>C on the plus strand (C>G on the coding strand, the complement: HERC2 is on the minus strand). VCF-style: chr15-28113114-G-C. GRCh37 (hg19) VCF-style: chr15-28358260-G-C.
Other names: short protein forms P4730R.
Identifiers: ClinVar variation 3774668 (VCV003774668.1).

ClinVar aggregate classification (germline): Uncertain significance (1 of 4 stars; one submission).

Submission:

GeneDx
Classification: Uncertain significance. Last evaluated: 2024-09-26. Review status: criteria provided, single submitter. Criteria: GeneDx Variant Classification Process June 2021. Collection method: clinical testing. Allele origin: germline. Affected: yes.
Comment: Not observed at significant frequency in large population cohorts (gnomAD); In silico analysis supports that this missense variant has a deleterious effect on protein structure/function; Has not been previously published as pathogenic or benign to our knowledge